The following is an entry in ClinVar:

ClinVar aggregate classification (germline): Uncertain significance. Review status: criteria provided, multiple submitters, no conflicts (2 of 4 stars). 2 submissions from 2 submitters: Uncertain significance (2). Last evaluated 2025-12-29.

Allele frequency attached by ClinVar (database versions not stated): gnomAD 0.00003; gnomAD exomes 0.00005 and 0.00014; ESP Exome Variant Server 0.00008; TOPMed 0.00008; ExAC 0.00011.
gnomAD v4.1: 73 of 1,610,308 alleles (0.0045%); highest among the groups gnomAD compares: Admixed American, 0.038%; 1 homozygote.

Submissions (2):

Labcorp Genetics (formerly Invitae), Labcorp
Classification: Uncertain significance. Last evaluated: 2025-12-29. Review status: criteria provided, single submitter. Criteria: Invitae Variant Classification Sherloc (09022015). Collection method: clinical testing. Allele origin: germline.
Comment: This sequence change replaces arginine, which is basic and polar, with glutamine, which is neutral and polar, at codon 839 of the RNF31 protein (p.Arg839Gln). This variant is present in population databases (rs375339255, gnomAD 0.06%), and has an allele count higher than expected for a pathogenic variant. This variant has not been reported in the literature in individuals affected with RNF31-related conditions. ClinVar contains an entry for this variant (Variation ID: 1362911). An algorithm developed to predict the effect of missense changes on protein structure and function outputs the following: PolyPhen-2: "Benign". The glutamine amino acid residue is found in multiple mammalian species, which suggests that this missense change does not adversely affect protein function. In summary, the available evidence is currently insufficient to determine the role of this variant in disease. Therefore, it has been classified as a Variant of Uncertain Significance.

Ambry Genetics
Classification: Uncertain significance. Last evaluated: 2024-05-16. Review status: criteria provided, single submitter. Criteria: Ambry Variant Classification Scheme 2023. Collection method: clinical testing. Allele origin: germline.

NM_017999.5(RNF31):c.2516G>A (p.Arg839Gln)

Gene: RNF31 (ring finger protein 31; plus strand). Cytogenetic location: 14q12.
Variant type: single nucleotide variant.
Coding change: c.2516G>A on transcript NM_017999.5 (MANE Select); coding-DNA position 2516, G replaced by A.
Protein change: p.Arg839Gln; replaces arginine 839 with glutamine.
Molecular consequence: missense variant.
Genome position (GRCh38, 1-based): chr14:24,157,312, G>A. VCF-style: chr14-24157312-G-A. GRCh37 (hg19) VCF-style: chr14-24626521-G-A.
Other names: c.2063G>A, p.Arg688Gln (NM_001310332.2); c.2516G>A (NM_017999.4); short protein forms R688Q, R839Q.
Identifiers: ClinVar variation 1362911 (VCV001362911.9), dbSNP rs375339255, ClinGen allele CA7126088.
Genomic context (GRCh38, chr14:24,157,312, plus strand): 5'-ATAGAGCTCCCATGTGAAGCCTACTTTCCCTCTGGCAGTGGGAGGAGCAGCACCGAGGTC[G>A]GAGCTGTGAGGACTTCCAGAACTGGAAACGCATGAACGACCCAGAATACCAGGCCCAGGG-3'
Protein context (NP_060469.4, residues 829-849): KRQWEEQHRG[Arg839Gln]SCEDFQNWKR